The following is an entry in ClinVar:

ClinVar aggregate classification (germline): Likely pathogenic (1 of 4 stars; one submission).

Conditions:
Autosomal recessive limb-girdle muscular dystrophy type 2A (LGMDR1). Also called: Calpainopathy; LEYDEN-MOEBIUS MUSCULAR DYSTROPHY; MUSCULAR DYSTROPHY, PELVOFEMORAL; Muscular dystrophy, limb-girdle, type 2A, Amish; Limb-girdle muscular dystrophy, type 2A. Identifiers: Orphanet 267, MedGen C1869123, MONDO:0009675, OMIM 253600. Disease mechanism: loss of function.

Submission:

Natera, Inc.
Classification: Likely pathogenic for Limb-girdle muscular dystrophy type 2A. Last evaluated: 2024-11-08. Review status: criteria provided, single submitter. Criteria: Natera Variant Classification Schema (03/2026). Collection method: clinical testing. Allele origin: germline.
Comment: The c.318C>A variant in CAPN3 is a nonsense variant predicted to introduce a stop codon at amino acid 106. This variant is expected to result in nonsense mediated decay, truncation, or a dysfunctional protein product. This variant is rare in the general population with a frequency below the threshold expected for the associated phenotype(s). Given the available evidence, this variant is classified as Likely Pathogenic.

NM_000070.3(CAPN3):c.318C>A (p.Cys106Ter)

Gene: CAPN3 (calpain 3; plus strand). Cytogenetic location: 15q15.1.
Variant type: single nucleotide variant.
Coding change: c.318C>A on transcript NM_000070.3 (MANE Select); coding-DNA position 318, C replaced by A.
Protein change: p.Cys106Ter; replaces cysteine 106 with a stop codon.
Molecular consequence: nonsense.
Genome position (GRCh38, 1-based): chr15:42,384,491, C>A. VCF-style: chr15-42384491-C-A. GRCh37 (hg19) VCF-style: chr15-42676689-C-A.
Other names: c.318C>A, p.Cys106Ter (NM_024344.2, NM_173087.2); short protein forms C106*.
Identifiers: ClinVar variation 4816309 (VCV004816309.1).